The following is an entry in ClinVar:

ClinVar aggregate classification (germline): Uncertain significance (0 of 4 stars; one submission).

Conditions:
BBS9-related disorder. Also called: BBS9-related condition.

gnomAD v4.1: 1 of 1,614,138 alleles (0.000062%); highest among the groups gnomAD compares: Admixed American, 0.0017%; no homozygotes.

Submission:

PreventionGenetics, part of Exact Sciences
Classification: Uncertain significance for BBS9-related condition. Last evaluated: 2024-06-17. Review status: no assertion criteria provided. Collection method: clinical testing. Allele origin: germline.
Comment: The BBS9 c.2435T>G variant is predicted to result in the amino acid substitution p.Ile812Ser. To our knowledge, this variant has not been reported in the literature. This variant is reported in 0.0029% of alleles in individuals of Latino descent in gnomAD. At this time, the clinical significance of this variant is uncertain due to the absence of conclusive functional and genetic evidence.

NM_198428.3(BBS9):c.2435T>G (p.Ile812Ser)

Gene: BBS9 (Bardet-Biedl syndrome 9; plus strand). Cytogenetic location: 7p14.3.
Variant type: single nucleotide variant.
Coding change: c.2435T>G on transcript NM_198428.3 (MANE Select); coding-DNA position 2435, T replaced by G.
Protein change: p.Ile812Ser; replaces isoleucine 812 with serine.
Molecular consequence: missense variant. On other transcripts: non-coding transcript variant (3).
Genome position (GRCh38, 1-based): chr7:33,534,090, T>G. VCF-style: chr7-33534090-T-G. GRCh37 (hg19) VCF-style: chr7-33573702-T-G.
Other names: c.2330T>G, p.Ile777Ser (NM_001033604.2); c.2420T>G, p.Ile807Ser (NM_001033605.2); c.2435T>G, p.Ile812Ser (NM_001348036.1, NM_001348041.4, NM_001348043.3 and 1 more transcripts); c.1886T>G, p.Ile629Ser (NM_001348037.3); c.2162T>G, p.Ile721Ser (NM_001348038.3); c.2057T>G, p.Ile686Ser (NM_001348039.3); c.2315T>G, p.Ile772Ser (NM_001348040.3, NM_014451.4); c.2300T>G, p.Ile767Ser (NM_001348042.3); and 2 more; short protein forms I629S, I655S, I686S, I690S, I721S, I767S, I772S, I777S.
Identifiers: ClinVar variation 3349951 (VCV003349951.1).